The following is an entry in ClinVar:

ClinVar aggregate classification (germline): Uncertain significance. Review status: criteria provided, multiple submitters, no conflicts (2 of 4 stars). 2 submissions from 2 submitters: Uncertain significance (2). Last evaluated 2025-07-21.

Conditions:
Pancreatic adenocarcinoma. Identifiers: MedGen C0281361, MONDO:0006047, HP:0006725.

Allele frequency attached by ClinVar (database versions not stated): gnomAD 0.00002.

Submissions (2):

Labcorp Genetics (formerly Invitae), Labcorp
Classification: Uncertain significance for Pancreatic adenocarcinoma. Last evaluated: 2025-07-21. Review status: criteria provided, single submitter. Criteria: Invitae Variant Classification Sherloc (09022015). Collection method: clinical testing. Allele origin: germline.
Comment: This sequence change replaces threonine, which is neutral and polar, with proline, which is neutral and non-polar, at codon 166 of the PALLD protein (p.Thr166Pro). This variant is present in population databases (no rsID available, gnomAD 0.02%). This variant has not been reported in the literature in individuals affected with PALLD-related conditions. ClinVar contains an entry for this variant (Variation ID: 238612). An algorithm developed to predict the effect of missense changes on protein structure and function (PolyPhen-2) suggests that this variant is likely to be tolerated. In summary, the available evidence is currently insufficient to determine the role of this variant in disease. Therefore, it has been classified as a Variant of Uncertain Significance.

Ambry Genetics
Classification: Uncertain significance. Last evaluated: 2024-12-07. Review status: criteria provided, single submitter. Criteria: Ambry Variant Classification Scheme 2023. Collection method: clinical testing. Allele origin: germline.
Comment: The p.T166P variant (also known as c.496A>C), located in coding exon 1 of the PALLD gene, results from an A to C substitution at nucleotide position 496. The threonine at codon 166 is replaced by proline, an amino acid with highly similar properties. This amino acid position is conserved. In addition, this alteration is predicted to be tolerated by in silico analysis. Based on the available evidence, the clinical significance of this variant remains unclear.

NM_001166108.2(PALLD):c.1965-12535A>C

Gene: PALLD (palladin, cytoskeletal associated protein; plus strand). Cytogenetic location: 4q32.3.
Variant type: single nucleotide variant.
Coding change: c.1965-12535A>C on transcript NM_001166108.2 (MANE Select); 12535 bases into the intron before coding-DNA position 1965, A replaced by C.
Molecular consequence: intron variant. On other transcripts: missense variant (1).
Genome position (GRCh38, 1-based): chr4:168,878,387, A>C. VCF-style: chr4-168878387-A-C. GRCh37 (hg19) VCF-style: chr4-169799538-A-C.
Other names: c.496A>C, p.Thr166Pro (NM_001166110.2); c.1965-12535A>C (NM_016081.4); c.819-12535A>C (NM_001166109.2); c.-157-12535A>C (NM_001367570.1, NM_001367568.1, NM_001367567.1 and 1 more transcripts); short protein forms T166P.
Identifiers: ClinVar variation 238612 (VCV000238612.6), dbSNP rs878854266, ClinGen allele CA10582220.